The following is an entry in ClinVar:

ClinVar aggregate classification (germline): Uncertain significance. Review status: criteria provided, multiple submitters, no conflicts (2 of 4 stars). 4 submissions from 3 submitters: Uncertain significance (3). 1 of the submissions does not count toward it. Last evaluated 2024-09-22.

Conditions:
Autosomal recessive limb-girdle muscular dystrophy type 2O. Also called: Limb-Girdle Muscular Dystrophy Type 3C; MUSCULAR DYSTROPHY-DYSTROGLYCANOPATHY, LIMB-GIRDLE, POMGNT1-RELATED; MUSCULAR DYSTROPHY-DYSTROGLYCANOPATHY (LIMB-GIRDLE), TYPE C, 3. Identifiers: Orphanet 206564, MedGen C3150417, MONDO:0013161, OMIM 613157.
Muscular dystrophy-dystroglycanopathy (congenital with impaired intellectual development), type B, 3. Also called: Muscular dystrophy-dystroglycanopathy (congenital with intellectual disability), type B3; MUSCULAR DYSTROPHY, CONGENITAL, POMGNT1-RELATED. Identifiers: MedGen C3150412, MONDO:0013155, OMIM 613151.
Congenital Muscular Dystrophy, alpha-dystroglycan related.
Muscle eye brain disease (MEB). Also called: Santavuori congenital muscular dystrophy. Identifiers: Orphanet 588, Orphanet 899, MedGen C0457133, MONDO:0018939.

Allele frequency attached by ClinVar (database versions not stated): gnomAD exomes below 0.00001 and 0.00002; gnomAD 0.00001; TOPMed 0.00001.
gnomAD v4.1: 36 of 1,614,034 alleles (0.0022%); highest among the groups gnomAD compares: Middle Eastern, 0.016%; no homozygotes.

Submissions (4):

Labcorp Genetics (formerly Invitae), Labcorp
Classification: Uncertain significance for Autosomal recessive limb-girdle muscular dystrophy type 2O; Muscular dystrophy-dystroglycanopathy (congenital with impaired intellectual development), type B, 3. Last evaluated: 2024-09-22. Review status: criteria provided, single submitter. Criteria: Invitae Variant Classification Sherloc (09022015). Collection method: clinical testing. Allele origin: germline.
Comment: This sequence change replaces arginine, which is basic and polar, with cysteine, which is neutral and slightly polar, at codon 84 of the POMGNT1 protein (p.Arg84Cys). This variant is present in population databases (no rsID available, gnomAD 0.0009%). This variant has not been reported in the literature in individuals affected with POMGNT1-related conditions. ClinVar contains an entry for this variant (Variation ID: 665111). Invitae Evidence Modeling of protein sequence and biophysical properties (such as structural, functional, and spatial information, amino acid conservation, physicochemical variation, residue mobility, and thermodynamic stability) indicates that this missense variant is not expected to disrupt POMGNT1 protein function with a negative predictive value of 95%. In summary, the available evidence is currently insufficient to determine the role of this variant in disease. Therefore, it has been classified as a Variant of Uncertain Significance.

Illumina Laboratory Services, Illumina
Classification: Uncertain significance for Autosomal recessive limb-girdle muscular dystrophy type 2O. Last evaluated: 2018-01-13. Review status: criteria provided, single submitter. Criteria: ICSL Variant Classification Criteria 13 December 2019. Collection method: clinical testing. Allele origin: germline.

Illumina Laboratory Services, Illumina
Classification: Uncertain significance for Congenital Muscular Dystrophy, alpha-dystroglycan related. Last evaluated: 2018-01-13. Review status: criteria provided, single submitter. Criteria: ICSL Variant Classification Criteria 13 December 2019. Collection method: clinical testing. Allele origin: germline.

Natera, Inc.
Classification: Uncertain significance for Muscle-eye-brain disease. Last evaluated: 2020-09-16. Review status: no assertion criteria provided. Collection method: clinical testing. Allele origin: germline. Not counted in ClinVar's aggregate classification.

NM_017739.4(POMGNT1):c.250C>T (p.Arg84Cys)

Gene: POMGNT1 (protein O-linked mannose N-acetylglucosaminyltransferase 1 (beta 1,2-); minus strand). Cytogenetic location: 1p34.1.
Variant type: single nucleotide variant.
Coding change: c.250C>T on transcript NM_017739.4 (MANE Select); coding-DNA position 250, C replaced by T.
Protein change: p.Arg84Cys; replaces arginine 84 with cysteine.
Molecular consequence: missense variant. On other transcripts: 5 prime UTR variant (1).
Genome position (GRCh38, 1-based): chr1:46,196,835, G>A on the plus strand (C>T on the coding strand, the complement: POMGNT1 is on the minus strand). VCF-style: chr1-46196835-G-A. GRCh37 (hg19) VCF-style: chr1-46662507-G-A.
Other names: c.250C>T, p.Arg84Cys (NM_001243766.2, NM_001410783.1); c.184C>T, p.Arg62Cys (NM_001290129.3); c.-180C>T (NM_001290130.2); short protein forms R62C, R84C.
Identifiers: ClinVar variation 665111 (VCV000665111.8), dbSNP rs1238403887, ClinGen allele CA340191724.
Genomic context (GRCh38, chr1:46,196,835, plus strand): 5'-ACACCTCTACGTCCAGGACCCGCCGGGGACCACTGCCTCTGCGCCGTGGGGGCTCCAGGC[G>A]GCCTAGGGCCTCATCTGTGGGGTACAACAGGTCATGGAGATAGTCTCCTCAGCAGAGTCT-3'
Protein context (NP_060209.4, residues 74-94): PEQDYDEALG[Arg84Cys]LEPPRRRGSG